The following is an entry in ClinVar:

ClinVar aggregate classification (germline): Uncertain significance (1 of 4 stars; one submission).

Submission:

GeneDx
Classification: Uncertain significance. Last evaluated: 2024-03-11. Review status: criteria provided, single submitter. Criteria: GeneDx Variant Classification Process June 2021. Collection method: clinical testing. Allele origin: germline. Affected: yes.
Comment: Has been reported in association with dyslipidemia (PMID: 32041611); Not observed at significant frequency in large population cohorts (gnomAD); In silico analysis supports that this missense variant has a deleterious effect on protein structure/function; This variant is associated with the following publications: (PMID: 32041611)

NM_005276.4(GPD1):c.910C>T (p.Arg304Trp)

Gene: GPD1 (glycerol-3-phosphate dehydrogenase 1; plus strand). Cytogenetic location: 12q13.12.
Variant type: single nucleotide variant.
Coding change: c.910C>T on transcript NM_005276.4 (MANE Select); coding-DNA position 910, C replaced by T.
Protein change: p.Arg304Trp; replaces arginine 304 with tryptophan.
Molecular consequence: missense variant.
Genome position (GRCh38, 1-based): chr12:50,108,087, C>T. VCF-style: chr12-50108087-C-T. GRCh37 (hg19) VCF-style: chr12-50501870-C-T.
Other names: c.841C>T, p.Arg281Trp (NM_001257199.2); short protein forms R281W, R304W.
Identifiers: ClinVar variation 3343852 (VCV003343852.1).
Genomic context (GRCh38, chr12:50,108,087, plus strand): 5'-ATTGAGCAGCTGGAGAAAGAGTTGCTGAATGGGCAGAAACTGCAGGGGCCCGAGACAGCC[C>T]GGGAGCTATACAGCATCCTCCAGCACAAGGGCCTGGTAGACAAGTAAGTATTGGCCACAG-3'
Protein context (NP_005267.2, residues 294-314): GQKLQGPETA[Arg304Trp]ELYSILQHKG